The following is an entry in ClinVar:

ClinVar aggregate classification (germline): Uncertain significance (1 of 4 stars; one submission).

Conditions:
Hereditary cancer-predisposing syndrome. Also called: Hereditary Cancer Syndrome; Tumor predisposition; Hereditary neoplastic syndrome; Neoplastic Syndromes, Hereditary. Identifiers: Orphanet 140162, MedGen C0027672, MeSH D009386, MONDO:0015356.

Submission:

Ambry Genetics
Classification: Uncertain significance for Hereditary cancer-predisposing syndrome. Last evaluated: 2024-11-16. Review status: criteria provided, single submitter. Criteria: Ambry Variant Classification Scheme 2023. Collection method: clinical testing. Allele origin: germline.
Comment: The p.M281L variant (also known as c.841A>C), located in coding exon 5 of the MSH3 gene, results from an A to C substitution at nucleotide position 841. The methionine at codon 281 is replaced by leucine, an amino acid with highly similar properties. This amino acid position is conserved. In addition, the in silico prediction for this alteration is inconclusive. Based on the available evidence, the clinical significance of this variant remains unclear.

NM_002439.5(MSH3):c.841A>C (p.Met281Leu)

Gene: MSH3 (mutS homolog 3; plus strand). Cytogenetic location: 5q14.1.
Variant type: single nucleotide variant.
Coding change: c.841A>C on transcript NM_002439.5 (MANE Select); coding-DNA position 841, A replaced by C.
Protein change: p.Met281Leu; replaces methionine 281 with leucine.
Molecular consequence: missense variant.
Genome position (GRCh38, 1-based): chr5:80,672,292, A>C. VCF-style: chr5-80672292-A-C. GRCh37 (hg19) VCF-style: chr5-79968111-A-C.
Other names: short protein forms M281L.
Identifiers: ClinVar variation 3398769 (VCV003398769.1).